The following is an entry in ClinVar:

NM_013275.6(ANKRD11):c.6544G>A (p.Val2182Ile)

Gene: ANKRD11 (ankyrin repeat domain 11; minus strand). Cytogenetic location: 16q24.3.
Variant type: single nucleotide variant.
Coding change: c.6544G>A on transcript NM_013275.6 (MANE Select); coding-DNA position 6544, G replaced by A.
Protein change: p.Val2182Ile; replaces valine 2182 with isoleucine.
Molecular consequence: missense variant.
Genome position (GRCh38, 1-based): chr16:89,279,998, C>T on the plus strand (G>A on the coding strand, the complement: ANKRD11 is on the minus strand). VCF-style: chr16-89279998-C-T. GRCh37 (hg19) VCF-style: chr16-89346406-C-T.
Other names: c.6544G>A, p.Val2182Ile (NM_001256182.2, NM_001256183.2); short protein forms V2182I.
Identifiers: ClinVar variation 4989165 (VCV004989165.1).

ClinVar aggregate classification (germline): Likely benign (1 of 4 stars; one submission).

Conditions:
ANKRD11-related disorder. Also called: ANKRD11-related condition.

gnomAD v4.1: 52 of 1,612,000 alleles (0.0032%); highest among the groups gnomAD compares: Non-Finnish European, 0.0042%; no homozygotes.

Submission:

PreventionGenetics, part of Exact Sciences
Classification: Likely benign for ANKRD11-related condition. Last evaluated: 2026-07-14. Review status: criteria provided, single submitter. Criteria: ACMG Guidelines, 2015. Collection method: clinical testing. Allele origin: germline.
Comment: This variant is classified as likely benign based on ACMG/AMP sequence variant interpretation guidelines (Richards et al. 2015 PMID: 25741868, with internal and published modifications).